The following is an entry in ClinVar:

NM_133433.4(NIPBL):c.1669A>G (p.Ile557Val)

Gene: NIPBL (NIPBL cohesin loading factor; plus strand). Cytogenetic location: 5p13.2.
Variant type: single nucleotide variant.
Coding change: c.1669A>G on transcript NM_133433.4 (MANE Select); coding-DNA position 1669, A replaced by G.
Protein change: p.Ile557Val; replaces isoleucine 557 with valine.
Molecular consequence: missense variant.
Genome position (GRCh38, 1-based): chr5:36,984,849, A>G. VCF-style: chr5-36984849-A-G. GRCh37 (hg19) VCF-style: chr5-36984951-A-G.
Other names: c.1669A>G, p.Ile557Val (NM_015384.5); short protein forms I557V.
Identifiers: ClinVar variation 2048038 (VCV002048038.4), dbSNP rs201051655, ClinGen allele CA3236073.

ClinVar aggregate classification (germline): Uncertain significance (1 of 4 stars; one submission).

Conditions:
Cornelia de Lange syndrome 1 (CDLS1). Also called: NIPBL-Related Cornelia de Lange Syndrome; Brachmann de Lange syndrome; TYPUS DEGENERATIVUS AMSTELODAMENSIS. Identifiers: Orphanet 199, MedGen C4551851, MONDO:0007387, OMIM 122470.

Allele frequency attached by ClinVar (database versions not stated): gnomAD exomes below 0.00001; ExAC 0.00002; gnomAD 0.00004; TOPMed 0.00006; ESP Exome Variant Server 0.00008; 1000 Genomes Project 30x 0.00016; 1000 Genomes Project 0.00020.
gnomAD v4.1: 11 of 1,613,882 alleles (0.00068%); highest among the groups gnomAD compares: African/African-American, 0.011%; no homozygotes.

Submission:

Labcorp Genetics (formerly Invitae), Labcorp
Classification: Uncertain significance for Cornelia de Lange syndrome 1. Last evaluated: 2025-03-01. Review status: criteria provided, single submitter. Criteria: Invitae Variant Classification Sherloc (09022015). Collection method: clinical testing. Allele origin: germline.
Comment: This sequence change replaces isoleucine, which is neutral and non-polar, with valine, which is neutral and non-polar, at codon 557 of the NIPBL protein (p.Ile557Val). This variant is present in population databases (rs201051655, gnomAD 0.02%). This variant has not been reported in the literature in individuals affected with NIPBL-related conditions. ClinVar contains an entry for this variant (Variation ID: 2048038). Invitae Evidence Modeling of protein sequence and biophysical properties (such as structural, functional, and spatial information, amino acid conservation, physicochemical variation, residue mobility, and thermodynamic stability) indicates that this missense variant is not expected to disrupt NIPBL protein function with a negative predictive value of 95%. In summary, the available evidence is currently insufficient to determine the role of this variant in disease. Therefore, it has been classified as a Variant of Uncertain Significance.